The following is an entry in ClinVar:

ClinVar aggregate classification (germline): Likely benign (1 of 4 stars; one submission).

Submission:

CeGaT Center for Human Genetics Tuebingen
Classification: Likely benign. Last evaluated: 2025-06-01. Review status: criteria provided, single submitter. Criteria: CeGaT Center For Human Genetics Tuebingen Variant Classification Criteria Version 2. Collection method: clinical testing. Allele origin: germline. Affected: yes. Observed: 1 variant allele.
Comment: PDGFRL: BP4, BP7

NM_001372073.1(PDGFRL):c.192G>A (p.Thr64=)

Gene: PDGFRL (platelet derived growth factor receptor like; plus strand). Cytogenetic location: 8p22.
Variant type: single nucleotide variant.
Coding change: c.192G>A on transcript NM_001372073.1 (MANE Select); coding-DNA position 192, G replaced by A.
Protein change: p.Thr64=; no amino-acid change (threonine 64 retained).
Molecular consequence: synonymous variant.
Genome position (GRCh38, 1-based): chr8:17,589,604, G>A. VCF-style: chr8-17589604-G-A. GRCh37 (hg19) VCF-style: chr8-17447113-G-A.
Other names: c.192G>A, p.Thr64= (NM_006207.2).
Identifiers: ClinVar variation 3905078 (VCV003905078.10).